The following is an entry in ClinVar:

ClinVar aggregate classification (germline): Conflicting classifications of pathogenicity. Review status: criteria provided, conflicting classifications (1 of 4 stars). 4 submissions from 4 submitters: Uncertain significance (2); Benign (1); Likely benign (1). Last evaluated 2026-08-19.

Conditions:
Congenital contractural arachnodactyly (CCA). Also called: BEALS SYNDROME; Arthrogryposis, distal, type 9; Beals-Hecht syndrome. Identifiers: Orphanet 115, MedGen C0220668, MONDO:0007363, OMIM 121050.
Familial thoracic aortic aneurysm and aortic dissection (TAAD). Also called: Thoracic aortic aneurysms and dissections. Identifiers: Orphanet 91387, MedGen C4707243, MONDO:0019625.

Allele frequency attached by ClinVar (database versions not stated): gnomAD 0.00010 and 0.00009; gnomAD exomes 0.00002; TOPMed 0.00007; ESP Exome Variant Server 0.00015; ExAC 0.00004.
gnomAD v4.1: 39 of 1,613,924 alleles (0.0024%); highest among the groups gnomAD compares: African/African-American, 0.041%; no homozygotes.

Submissions (4):

Ambry Genetics
Classification: Uncertain significance for Familial thoracic aortic aneurysm and aortic dissection. Last evaluated: 2026-08-19. Review status: criteria provided, single submitter. Criteria: Ambry Variant Classification Scheme 2023. Collection method: clinical testing. Allele origin: germline.
Comment: The c.6681A>G variant (also known as p.T2227T), located in coding exon 53 of the FBN2 gene, results from an A to G substitution at nucleotide position 6681. This nucleotide substitution does not change the threonine at codon 2227. This nucleotide position is not well conserved in available vertebrate species. In silico splice site analysis predicts that this alteration will result in the creation or strengthening of a novel splice donor site. Based on the available evidence, the clinical significance of this variant remains unclear.

Labcorp Genetics (formerly Invitae), Labcorp
Classification: Benign for Congenital contractural arachnodactyly. Last evaluated: 2026-01-11. Review status: criteria provided, single submitter. Criteria: Invitae Variant Classification Sherloc (09022015). Collection method: clinical testing. Allele origin: germline.

Women's Health and Genetics/Laboratory Corporation of America, LabCorp
Classification: Likely benign. Last evaluated: 2023-04-10. Review status: criteria provided, single submitter. Criteria: LabCorp Variant Classification Summary - May 2015. Collection method: clinical testing. Allele origin: germline.

GeneDx
Classification: Uncertain significance. Last evaluated: 2023-04-04. Review status: criteria provided, single submitter. Criteria: GeneDx Variant Classification Process June 2021. Collection method: clinical testing. Allele origin: germline. Affected: yes.
Comment: In silico analysis supports a deleterious effect on splicing; Has not been previously published as pathogenic or benign to our knowledge

NM_001999.4(FBN2):c.6681A>G (p.Thr2227=)

Gene: FBN2 (fibrillin 2; minus strand). Cytogenetic location: 5q23.3.
Variant type: single nucleotide variant.
Coding change: c.6681A>G on transcript NM_001999.4 (MANE Select); coding-DNA position 6681, A replaced by G.
Protein change: p.Thr2227=; no amino-acid change (threonine 2227 retained).
Molecular consequence: synonymous variant.
Genome position (GRCh38, 1-based): chr5:128,288,514, T>C on the plus strand (A>G on the coding strand, the complement: FBN2 is on the minus strand). VCF-style: chr5-128288514-T-C. GRCh37 (hg19) VCF-style: chr5-127624206-T-C.
Identifiers: ClinVar variation 213350 (VCV000213350.14), dbSNP rs145681607, ClinGen allele CA321576.